The following is an entry in ClinVar:

ClinVar aggregate classification (germline): Likely benign. Review status: criteria provided, multiple submitters, no conflicts (2 of 4 stars). 3 submissions from 3 submitters: Likely benign (2). 1 of the submissions does not count toward it. Last evaluated 2019-12-31.

Conditions:
APAF1-related disorder. Also called: APAF1-related condition.

Allele frequency attached by ClinVar (database versions not stated): 1000 Genomes Project 30x 0.00047; 1000 Genomes Project 0.00060; TOPMed 0.00126; gnomAD 0.00127 and 0.00133; gnomAD exomes 0.00145; ESP Exome Variant Server 0.00154; ExAC 0.00159.
gnomAD v4.1: 2,307 of 1,614,024 alleles (0.14%); highest among the groups gnomAD compares: Non-Finnish European, 0.17%; 5 homozygotes.

Submissions (3):

Labcorp Genetics (formerly Invitae), Labcorp
Classification: Likely benign. Last evaluated: 2019-12-31. Review status: criteria provided, single submitter. Criteria: Invitae Variant Classification Sherloc (09022015). Collection method: clinical testing. Allele origin: germline.

Breakthrough Genomics
Classification: Likely benign. Review status: criteria provided, single submitter. Criteria: ACMG Guidelines, 2015. Collection method: not provided. Allele origin: germline. Inheritance: Unknown mechanism. Affected: yes.

PreventionGenetics, part of Exact Sciences
Classification: Likely benign for APAF1-related condition. Last evaluated: 2022-12-13. Review status: no assertion criteria provided. Collection method: clinical testing. Allele origin: germline. Not counted in ClinVar's aggregate classification.
Comment: This variant is classified as likely benign based on ACMG/AMP sequence variant interpretation guidelines (Richards et al. 2015 PMID: 25741868, with internal and published modifications).

NM_181861.2(APAF1):c.2612C>T (p.Ser871Leu)

Gene: APAF1 (apoptotic peptidase activating factor 1; plus strand). Cytogenetic location: 12q23.1.
Variant type: single nucleotide variant.
Coding change: c.2612C>T on transcript NM_181861.2 (MANE Select); coding-DNA position 2612, C replaced by T.
Protein change: p.Ser871Leu; replaces serine 871 with leucine.
Molecular consequence: missense variant. On other transcripts: intron variant (1).
Genome position (GRCh38, 1-based): chr12:98,706,501, C>T. VCF-style: chr12-98706501-C-T. GRCh37 (hg19) VCF-style: chr12-99100279-C-T.
Other names: c.2450C>T, p.Ser817Leu (NM_001160.3); c.2579C>T, p.Ser860Leu (NM_013229.3); c.2483C>T, p.Ser828Leu (NM_181868.2); c.956-25919C>T (NM_181869.2); short protein forms S860L, S817L, S828L, S871L.
Identifiers: ClinVar variation 732993 (VCV000732993.7), dbSNP rs145807191, ClinGen allele CA6734309.